The following is an entry in ClinVar:

NM_022367.4(SEMA4A):c.2116C>A (p.Pro706Thr)

Gene: SEMA4A (semaphorin 4A; plus strand). Cytogenetic location: 1q22.
Variant type: single nucleotide variant.
Coding change: c.2116C>A on transcript NM_022367.4 (MANE Select); coding-DNA position 2116, C replaced by A.
Protein change: p.Pro706Thr; replaces proline 706 with threonine.
Molecular consequence: missense variant.
Genome position (GRCh38, 1-based): chr1:156,176,827, C>A. VCF-style: chr1-156176827-C-A. GRCh37 (hg19) VCF-style: chr1-156146618-C-A.
Other names: c.2116C>A, p.Pro706Thr (NM_001193301.2, NM_001370567.1, NM_001193300.2); c.1720C>A, p.Pro574Thr (NM_001193302.2); c.1819C>A, p.Pro607Thr (NM_001370568.1); c.1609C>A, p.Pro537Thr (NM_001370569.1, NM_001370571.1); short protein forms P607T, P706T, P537T, P574T.
Identifiers: ClinVar variation 2993222 (VCV002993222.3), dbSNP rs998761074, ClinGen allele CA31004714.

ClinVar aggregate classification (germline): Uncertain significance (1 of 4 stars; one submission).

Allele frequency attached by ClinVar (database versions not stated): gnomAD exomes below 0.00001; TOPMed 0.00002; gnomAD 0.00004.
gnomAD v4.1: 8 of 1,614,102 alleles (0.0005%); highest among the groups gnomAD compares: African/African-American, 0.011%; no homozygotes.

Submission:

Labcorp Genetics (formerly Invitae), Labcorp
Classification: Uncertain significance. Last evaluated: 2023-07-25. Review status: criteria provided, single submitter. Criteria: Invitae Variant Classification Sherloc (09022015). Collection method: clinical testing. Allele origin: germline.
Comment: In summary, the available evidence is currently insufficient to determine the role of this variant in disease. Therefore, it has been classified as a Variant of Uncertain Significance. An algorithm developed to predict the effect of missense changes on protein structure and function (PolyPhen-2) suggests that this variant is likely to be tolerated. This variant has not been reported in the literature in individuals affected with SEMA4A-related conditions. This variant is not present in population databases (gnomAD no frequency). This sequence change replaces proline, which is neutral and non-polar, with threonine, which is neutral and polar, at codon 706 of the SEMA4A protein (p.Pro706Thr).